The following is an entry in ClinVar:

ClinVar aggregate classification (germline): Benign. Review status: criteria provided, multiple submitters, no conflicts (2 of 4 stars). 2 submissions from 2 submitters: Benign (2). Last evaluated 2016-03-29.

Submissions (2):

Laboratory for Molecular Medicine, Mass General Brigham Personalized Medicine
Classification: Benign. Last evaluated: 2016-03-29. Review status: criteria provided, single submitter. Criteria: LMM Criteria. Collection method: clinical testing. Allele origin: germline.
Comment: Variant identified in a genome or exome case(s) and assessed due to predicted null impact of the variant or pathogenic assertions in the literature or databases. Disclaimer: This variant has not undergone full assessment. The following are preliminary notes: Outside ROI, Frequency

Genomic Diagnostic Laboratory, Division of Genomic Diagnostics, Children's Hospital of Philadelphia
Classification: Benign. Last evaluated: 2015-06-11. Review status: criteria provided, single submitter. Criteria: DGD Variant Analysis Guidelines. Collection method: clinical testing. Allele origin: unknown.

NM_001204077.2(UBE4A):c.2412+23del

Genes: UBE4A (ubiquitination factor E4A; plus strand), LOC100131626 (uncharacterized LOC100131626; minus strand). Cytogenetic location: 11q23.3.
Variant type: Deletion.
Coding change: c.2412+23del on transcript NM_001204077.2 (MANE Select); 23 bases into the intron after coding-DNA position 2412, one base deleted (A; older notation c.2412+23delA).
Molecular consequence: intron variant.
Genome position (GRCh38, 1-based): chr11:118,384,968, A deleted; the last of 21 consecutive A bases (chr11:118,384,948-118,384,968); deleting any one gives the same sequence. VCF-style (leftmost placement, unchanged base first): chr11-118384947-TA-T. GRCh37 (hg19) VCF-style: chr11-118255662-TA-T.
Other names: c.2433+23del (NM_004788.4); c.2433+3delA (NM_004788.3).
Identifiers: ClinVar variation 403581 (VCV000403581.4), dbSNP rs370025001, ClinGen allele CA249049.